The following is an entry in ClinVar:

NM_032383.5(HPS3):c.2143C>G (p.Leu715Val)

Gene: HPS3 (HPS3 biogenesis of lysosomal organelles complex 2 subunit 1; plus strand). Cytogenetic location: 3q24.
Variant type: single nucleotide variant.
Coding change: c.2143C>G on transcript NM_032383.5 (MANE Select); coding-DNA position 2143, C replaced by G.
Protein change: p.Leu715Val; replaces leucine 715 with valine.
Molecular consequence: missense variant.
Genome position (GRCh38, 1-based): chr3:149,162,184, C>G. VCF-style: chr3-149162184-C-G. GRCh37 (hg19) VCF-style: chr3-148879971-C-G.
Other names: c.1648C>G, p.Leu550Val (NM_001308258.2); short protein forms L550V, L715V.
Identifiers: ClinVar variation 4750475 (VCV004750475.1).

ClinVar aggregate classification (germline): Uncertain significance (1 of 4 stars; one submission).

gnomAD v4.1: 62 of 1,614,012 alleles (0.0038%); highest among the groups gnomAD compares: Non-Finnish European, 0.0052%; no homozygotes.

Submission:

Labcorp Genetics (formerly Invitae), Labcorp
Classification: Uncertain significance. Last evaluated: 2025-09-28. Review status: criteria provided, single submitter. Criteria: Invitae Variant Classification Sherloc (09022015). Collection method: clinical testing. Allele origin: germline.
Comment: This sequence change replaces leucine, which is neutral and non-polar, with valine, which is neutral and non-polar, at codon 715 of the HPS3 protein (p.Leu715Val). This variant is present in population databases (rs142018758, gnomAD 0.0009%). This variant has not been reported in the literature in individuals affected with HPS3-related conditions. Invitae Evidence Modeling of protein sequence and biophysical properties (such as structural, functional, and spatial information, amino acid conservation, physicochemical variation, residue mobility, and thermodynamic stability) indicates that this missense variant is expected to disrupt HPS3 protein function with a positive predictive value of 80%. In summary, the available evidence is currently insufficient to determine the role of this variant in disease. Therefore, it has been classified as a Variant of Uncertain Significance.